The following is an entry in ClinVar:

NM_000979.4(RPL18):c.4-3C>T

Gene: RPL18 (ribosomal protein L18; minus strand). Cytogenetic location: 19q13.33.
Variant type: single nucleotide variant.
Coding change: c.4-3C>T on transcript NM_000979.4 (MANE Select); 3 bases into the intron before coding-DNA position 4, C replaced by T.
Molecular consequence: intron variant.
Genome position (GRCh38, 1-based): chr19:48,617,880, G>A on the plus strand (C>T on the coding strand, the complement: RPL18 is on the minus strand). VCF-style: chr19-48617880-G-A. GRCh37 (hg19) VCF-style: chr19-49121137-G-A.
Other names: c.4-457C>T (NM_001270490.2).
Identifiers: ClinVar variation 2746661 (VCV002746661.3), dbSNP rs113174439, ClinGen allele CA2697556636.

ClinVar aggregate classification (germline): Uncertain significance (1 of 4 stars; one submission).

Submission:

Labcorp Genetics (formerly Invitae), Labcorp
Classification: Uncertain significance. Last evaluated: 2023-05-29. Review status: criteria provided, single submitter. Criteria: Invitae Variant Classification Sherloc (09022015). Collection method: clinical testing. Allele origin: germline.
Comment: This sequence change falls in intron 1 of the RPL18 gene. It does not directly change the encoded amino acid sequence of the RPL18 protein. It affects a nucleotide within the consensus splice site. This variant is not present in population databases (gnomAD no frequency). This variant has not been reported in the literature in individuals affected with RPL18-related conditions. Variants that disrupt the consensus splice site are a relatively common cause of aberrant splicing (PMID: 17576681, 9536098). Algorithms developed to predict the effect of sequence changes on RNA splicing suggest that this variant is not likely to affect RNA splicing. In summary, the available evidence is currently insufficient to determine the role of this variant in disease. Therefore, it has been classified as a Variant of Uncertain Significance.

Literature cited by the submitters: PubMed 17576681; PubMed 9536098.